The following is an entry in ClinVar:

NM_001164508.2(NEB):c.9723+1G>A

Gene: NEB (nebulin; minus strand). Cytogenetic location: 2q23.3.
Variant type: single nucleotide variant.
Coding change: c.9723+1G>A on transcript NM_001164508.2 (MANE Select); the canonical splice donor site of the intron after coding-DNA position 9723, G replaced by A.
Molecular consequence: splice donor variant.
Genome position (GRCh38, 1-based): chr2:151,630,714, C>T on the plus strand (G>A on the coding strand, the complement: NEB is on the minus strand). VCF-style: chr2-151630714-C-T. GRCh37 (hg19) VCF-style: chr2-152487228-C-T.
Other names: c.8994+1G>A (NM_004543.5); c.9723+1G>A (NM_001164507.2, NM_001271208.2).
Identifiers: ClinVar variation 1066261 (VCV001066261.7), dbSNP rs113803601, ClinGen allele CA57655309.

ClinVar aggregate classification (germline): Likely pathogenic (1 of 4 stars; one submission).

Conditions:
Nemaline myopathy 2 (NEM2). Also called: Nemaline myopathy 2, autosomal recessive. Identifiers: MedGen C1850569, MONDO:0009725, OMIM 256030.

Allele frequency attached by ClinVar (database versions not stated): gnomAD exomes below 0.00001.
gnomAD v4.1: 5 of 1,600,440 alleles (0.00031%); highest among the groups gnomAD compares: Non-Finnish European, 0.00043%; no homozygotes.

Submission:

Labcorp Genetics (formerly Invitae), Labcorp
Classification: Likely pathogenic for Nemaline myopathy 2. Last evaluated: 2022-08-17. Review status: criteria provided, single submitter. Criteria: Invitae Variant Classification Sherloc (09022015). Collection method: clinical testing. Allele origin: germline.
Comment: In summary, the currently available evidence indicates that the variant is pathogenic, but additional data are needed to prove that conclusively. Therefore, this variant has been classified as Likely Pathogenic. Algorithms developed to predict the effect of sequence changes on RNA splicing suggest that this variant may disrupt the consensus splice site. ClinVar contains an entry for this variant (Variation ID: 1066261). This variant has not been reported in the literature in individuals affected with NEB-related conditions. This variant is not present in population databases (gnomAD no frequency). This sequence change affects a donor splice site in intron 67 of the NEB gene. It is expected to disrupt RNA splicing. Variants that disrupt the donor or acceptor splice site typically lead to a loss of protein function (PMID: 16199547), and loss-of-function variants in NEB are known to be pathogenic (PMID: 25205138).

Literature cited by the submitters: PubMed 16199547; PubMed 25205138.